The following is an entry in ClinVar:

ClinVar aggregate classification (germline): Conflicting classifications of pathogenicity. Review status: criteria provided, conflicting classifications (1 of 4 stars). 2 submissions from 2 submitters: Uncertain significance (1); Likely benign (1). Last evaluated 2024-07-12.

Conditions:
Cystic fibrosis (CF). Also called: MUCOVISCIDOSIS. Identifiers: Orphanet 586, MedGen C0010674, MONDO:0009061, OMIM 219700. Disease mechanism: loss of function.

Allele frequency attached by ClinVar (database versions not stated): gnomAD exomes below 0.00001; gnomAD 0.00001; TOPMed 0.00001; 1000 Genomes Project 30x 0.00016; ExAC 0.00002; 1000 Genomes Project 0.00020.
gnomAD v4.1: 6 of 1,613,942 alleles (0.00037%); highest among the groups gnomAD compares: South Asian, 0.0066%; no homozygotes.

Submissions (2):

ARUP Laboratories, Molecular Genetics and Genomics, ARUP Laboratories
Classification: Uncertain significance. Last evaluated: 2024-07-12. Review status: criteria provided, single submitter. Criteria: ARUP Molecular Germline Variant Investigation Process 2024. Collection method: clinical testing. Allele origin: germline.
Comment: The CFTR c.2689C>T; p.His897Tyr variant (rs567934887), to our knowledge, is not reported in the medical literature but is reported in ClinVar (Variation ID: 1794765). This variant is found in the South Asian population with an allele frequency of 0.01% (3/30,610 alleles) in the Genome Aggregation Database (v2.1.1). Computational analyses are uncertain whether this variant is neutral or deleterious (REVEL: 0.488). Due to limited information, the clinical significance of this variant is uncertain at this time.

Ambry Genetics
Classification: Likely benign for Cystic fibrosis. Last evaluated: 2021-07-20. Review status: criteria provided, single submitter. Criteria: Ambry Variant Classification Scheme 2023. Collection method: clinical testing. Allele origin: germline.

NM_000492.4(CFTR):c.2689C>T (p.His897Tyr)

Gene: CFTR (CF transmembrane conductance regulator; plus strand). Cytogenetic location: 7q31.2.
Variant type: single nucleotide variant.
Coding change: c.2689C>T on transcript NM_000492.4 (MANE Select); coding-DNA position 2689, C replaced by T.
Protein change: p.His897Tyr; replaces histidine 897 with tyrosine.
Molecular consequence: missense variant.
Genome position (GRCh38, 1-based): chr7:117,603,563, C>T. VCF-style: chr7-117603563-C-T. GRCh37 (hg19) VCF-style: chr7-117243617-C-T.
Other names: short protein forms H897Y.
Identifiers: ClinVar variation 1794765 (VCV001794765.3), dbSNP rs567934887, ClinGen allele CA4451275.